The following is an entry in ClinVar:

ClinVar aggregate classification (germline): Benign (1 of 4 stars; one submission).

Allele frequency attached by ClinVar (database versions not stated): 1000 Genomes Project 0.69609; gnomAD 0.69299; TOPMed 0.70260; 1000 Genomes Project 30x 0.70362.

Submission:

GeneDx
Classification: Benign. Last evaluated: 2018-06-19. Review status: criteria provided, single submitter. Criteria: GeneDx Variant Classification (06012015). Collection method: clinical testing. Allele origin: germline. Affected: yes.
Comment: This variant is considered likely benign or benign based on one or more of the following criteria: it is a conservative change, it occurs at a poorly conserved position in the protein, it is predicted to be benign by multiple in silico algorithms, and/or has population frequency not consistent with disease.

NM_001065.3(TNFRSF1A):c.-610T>G

Gene: TNFRSF1A (TNF receptor superfamily member 1A; minus strand). Cytogenetic location: 12p13.31.
Variant type: single nucleotide variant.
Coding change: c.-610T>G on transcript NM_001065.3; 610 bases upstream of the start codon, T replaced by G.
Genome position (GRCh38, 1-based): chr12:6,342,424, A>C on the plus strand (T>G on the coding strand, the complement: TNFRSF1A is on the minus strand). VCF-style: chr12-6342424-A-C. GRCh37 (hg19) VCF-style: chr12-6451590-A-C.
Identifiers: ClinVar variation 675609 (VCV000675609.3), dbSNP rs4149570, ClinGen allele CA15724144.